The following is an entry in ClinVar:

ClinVar aggregate classification (germline): Pathogenic (1 of 4 stars; one submission).

Conditions:
Propionic acidemia (PROP). Also called: GLYCINEMIA, KETOTIC; HYPERGLYCINEMIA WITH KETOACIDOSIS AND LEUKOPENIA; KETOTIC HYPERGLYCINEMIA. Identifiers: Orphanet 35, MedGen C0268579, MONDO:0011628, OMIM 606054, HP:0003571.

Submission:

Labcorp Genetics (formerly Invitae), Labcorp
Classification: Pathogenic for Propionic acidemia. Last evaluated: 2022-10-21. Review status: criteria provided, single submitter. Criteria: Invitae Variant Classification Sherloc (09022015). Collection method: clinical testing. Allele origin: germline.
Comment: This variant results in the deletion of exon 17 and part of exon 18 (c.1429+9046_1599del) of the PCCA gene. It is expected to disrupt RNA splicing. Variants that disrupt the donor or acceptor splice site typically lead to a loss of protein function (PMID: 16199547), and loss-of-function variants in PCCA are known to be pathogenic (PMID: 15464417). For these reasons, this variant has been classified as Pathogenic. This variant disrupts a region of the PCCA protein in which other variant(s) (p.Leu532del) have been determined to be pathogenic (PMID: 12559849; Invitae). This suggests that this is a clinically significant region of the protein, and that variants that disrupt it are likely to be disease-causing. This variant has not been reported in the literature in individuals affected with PCCA-related conditions.

Literature cited by the submitters: PubMed 16199547; PubMed 15464417; PubMed 12559849.

NC_000013.10:g.(?_100971208)_(100992469_?)del

Gene: PCCA (propionyl-CoA carboxylase subunit alpha; plus strand). Cytogenetic location: 13q32.3.
Variant type: Deletion.
Identifiers: ClinVar variation 2422803 (VCV002422803.4).